The following is an entry in ClinVar:

ClinVar aggregate classification (germline): Conflicting classifications of pathogenicity. Review status: criteria provided, conflicting classifications (1 of 4 stars). 3 submissions from 3 submitters: Uncertain significance (2); Likely benign (1). Last evaluated 2025-11-12.

Conditions:
Inborn genetic diseases. Identifiers: MedGen C0950123, MeSH D030342.
Chédiak-Higashi syndrome (CHS). Also called: Chediak-Higashi Syndrome. Identifiers: Orphanet 167, MedGen C0007965, MONDO:0008963, OMIM 214500.

Allele frequency attached by ClinVar (database versions not stated): gnomAD exomes 0.00001; ExAC 0.00002; TOPMed 0.00002; gnomAD 0.00003.
gnomAD v4.1: 25 of 1,613,596 alleles (0.0015%); highest among the groups gnomAD compares: Non-Finnish European, 0.00042%; no homozygotes.

Submissions (3):

Mayo Clinic Laboratories, Mayo Clinic
Classification: Uncertain significance. Last evaluated: 2025-11-12. Review status: criteria provided, single submitter. Criteria: ACMG Guidelines, 2015. Collection method: clinical testing. Allele origin: germline. Observed: 2 variant alleles.
Comment: BP4_moderate

Ambry Genetics
Classification: Likely benign for Inborn genetic diseases. Last evaluated: 2024-12-20. Review status: criteria provided, single submitter. Criteria: Ambry Variant Classification Scheme 2023. Collection method: clinical testing. Allele origin: germline.

Labcorp Genetics (formerly Invitae), Labcorp
Classification: Uncertain significance for Chédiak-Higashi syndrome. Last evaluated: 2022-03-23. Review status: criteria provided, single submitter. Criteria: Invitae Variant Classification Sherloc (09022015). Collection method: clinical testing. Allele origin: germline.
Comment: This sequence change replaces isoleucine, which is neutral and non-polar, with threonine, which is neutral and polar, at codon 149 of the LYST protein (p.Ile149Thr). This variant is present in population databases (rs774876336, gnomAD 0.04%). This variant has not been reported in the literature in individuals affected with LYST-related conditions. ClinVar contains an entry for this variant (Variation ID: 646687). Algorithms developed to predict the effect of missense changes on protein structure and function output the following: SIFT: "Tolerated"; PolyPhen-2: "Benign"; Align-GVGD: "Class C0". The threonine amino acid residue is found in multiple mammalian species, which suggests that this missense change does not adversely affect protein function. In summary, the available evidence is currently insufficient to determine the role of this variant in disease. Therefore, it has been classified as a Variant of Uncertain Significance.

NM_000081.4(LYST):c.446T>C (p.Ile149Thr)

Gene: LYST (lysosomal trafficking regulator; minus strand). Cytogenetic location: 1q42.3.
Variant type: single nucleotide variant.
Coding change: c.446T>C on transcript NM_000081.4 (MANE Select); coding-DNA position 446, T replaced by C.
Protein change: p.Ile149Thr; replaces isoleucine 149 with threonine.
Molecular consequence: missense variant.
Genome position (GRCh38, 1-based): chr1:235,810,372, A>G on the plus strand (T>C on the coding strand, the complement: LYST is on the minus strand). VCF-style: chr1-235810372-A-G. GRCh37 (hg19) VCF-style: chr1-235973672-A-G.
Other names: p.Ile149Thr; c.446T>C, p.Ile149Thr (NM_001301365.1); c.446T>C (NM_000081.2); short protein forms I149T.
Identifiers: ClinVar variation 646687 (VCV000646687.9), dbSNP rs774876336, ClinGen allele CA1467624.